The following is an entry in ClinVar:

NM_002003.5(FCN1):c.771C>T (p.Ser257=)

Gene: FCN1 (ficolin 1; minus strand). Cytogenetic location: 9q34.3.
Variant type: single nucleotide variant.
Coding change: c.771C>T on transcript NM_002003.5 (MANE Select); coding-DNA position 771, C replaced by T.
Protein change: p.Ser257=; no amino-acid change (serine 257 retained).
Molecular consequence: synonymous variant.
Genome position (GRCh38, 1-based): chr9:134,910,008, G>A on the plus strand (C>T on the coding strand, the complement: FCN1 is on the minus strand). VCF-style: chr9-134910008-G-A. GRCh37 (hg19) VCF-style: chr9-137801854-G-A.
Identifiers: ClinVar variation 2659705 (VCV002659705.24), dbSNP rs746424408, ClinGen allele CA5321535.
Genomic context (GRCh38, chr9:134,910,008, plus strand): 5'-GGCTCCTTGGAACTTCTCAGCACAATTCGAAGAACTCACATCATTGTCTTGGTCTTTGGT[G>A]GAGAAGAAGTTGTTGTTGTGGCCCGTTAGAGAATTACCTGCTCACAGAAAATGTGGGGTT-3'
Protein context (NP_001994.2, residues 247-267): SLTGHNNNFF[Ser257=]TKDQDNDVSS

ClinVar aggregate classification (germline): Likely benign (1 of 4 stars; one submission).

Allele frequency attached by ClinVar (database versions not stated): ExAC 0.00001; gnomAD exomes 0.00001.
gnomAD v4.1: 8 of 1,614,140 alleles (0.0005%); highest among the groups gnomAD compares: Non-Finnish European, 0.00068%; no homozygotes.

Submission:

CeGaT Center for Human Genetics Tuebingen
Classification: Likely benign. Last evaluated: 2022-04-01. Review status: criteria provided, single submitter. Criteria: CeGaT Center For Human Genetics Tuebingen Variant Classification Criteria Version 2. Collection method: clinical testing. Allele origin: germline. Affected: yes. Observed: 1 variant allele.
Comment: FCN1: BP4, BP7